The following is an entry in ClinVar:

ClinVar aggregate classification (germline): Uncertain significance (1 of 4 stars; one submission).

Submission:

Center for Genomics, Ann and Robert H. Lurie Children's Hospital of Chicago
Classification: Uncertain significance. Last evaluated: 2021-03-30. Review status: criteria provided, single submitter. Criteria: ACMG Guidelines, 2015. Collection method: clinical testing. Allele origin: germline.
Comment: SELP NM_003005 exon 8 p.Cys399Arg (c.1195T>C): This variant has not been reported in the literature and is not present in large control databases. Evolutionary conservation and computational predictive tools suggest that this variant may impact the protein. In summary, data on this variant is insufficient for disease classification. Therefore, the clinical significance of this variant is uncertain.

NM_003005.4(SELP):c.1195T>C (p.Cys399Arg)

Gene: SELP (selectin P; minus strand). Cytogenetic location: 1q24.2.
Variant type: single nucleotide variant.
Coding change: c.1195T>C on transcript NM_003005.4 (MANE Select); coding-DNA position 1195, T replaced by C.
Protein change: p.Cys399Arg; replaces cysteine 399 with arginine.
Molecular consequence: missense variant.
Genome position (GRCh38, 1-based): chr1:169,609,642, A>G on the plus strand (T>C on the coding strand, the complement: SELP is on the minus strand). VCF-style: chr1-169609642-A-G. GRCh37 (hg19) VCF-style: chr1-169578880-A-G.
Other names: short protein forms C399R.
Identifiers: ClinVar variation 626016 (VCV000626016.2), dbSNP rs1557960534, ClinGen allele CA343125343.